The following is an entry in ClinVar:

NM_002528.7(NTHL1):c.575dup (p.Tyr192Ter)

Gene: NTHL1 (nth like DNA glycosylase 1; minus strand). Cytogenetic location: 16p13.3.
Variant type: Duplication.
Coding change: c.575dup on transcript NM_002528.7 (MANE Select); coding-DNA position 575, one base duplicated (A; older notation c.575dupA).
Protein change: p.Tyr192Ter; replaces tyrosine 192 with a stop codon.
Molecular consequence: nonsense.
Genome position (GRCh38, 1-based): chr16:2,043,677, T duplicated on the plus strand (A on the coding strand, the reverse complement: NTHL1 is on the minus strand). VCF-style (leftmost placement, unchanged base first): chr16-2043676-G-GT. GRCh37 (hg19) VCF-style: chr16-2093677-G-GT.
Other names: c.404dup, p.Tyr135Ter (NM_001318193.2); c.245dup, p.Tyr82Ter (NM_001318194.2); short protein forms Y135*, Y192*, Y82*.
Identifiers: ClinVar variation 3222677 (VCV003222677.1), dbSNP rs2548315153, ClinGen allele CA2825002407.

ClinVar aggregate classification (germline): Pathogenic (1 of 4 stars; one submission).

Conditions:
Hereditary cancer-predisposing syndrome. Also called: Tumor predisposition; Hereditary neoplastic syndrome; Hereditary Cancer Syndrome; Neoplastic Syndromes, Hereditary. Identifiers: Orphanet 140162, MedGen C0027672, MeSH D009386, MONDO:0015356.

Submission:

Ambry Genetics
Classification: Pathogenic for Hereditary cancer-predisposing syndrome. Last evaluated: 2024-02-15. Review status: criteria provided, single submitter. Criteria: Ambry Variant Classification Scheme 2023. Collection method: clinical testing. Allele origin: germline.
Comment: The c.599dupA pathogenic mutation, located in coding exon 4 of the NTHL1 gene, results from a duplication of A at nucleotide position 599, causing a translational frameshift with a predicted alternate stop codon (p.Y200*). This alteration is expected to result in loss of function by premature protein truncation or nonsense-mediated mRNA decay. As such, this alteration is interpreted as a disease-causing mutation.